The following is an entry in ClinVar:

NM_003954.5(MAP3K14):c.2668A>G (p.Ile890Val)

Genes: MAP3K14 (mitogen-activated protein kinase kinase kinase 14; minus strand), MAP3K14-AS1 (MAP3K14 antisense RNA 1; plus strand). Cytogenetic location: 17q21.31.
Variant type: single nucleotide variant.
Coding change: c.2668A>G on transcript NM_003954.5 (MANE Select); coding-DNA position 2668, A replaced by G.
Protein change: p.Ile890Val; replaces isoleucine 890 with valine.
Molecular consequence: missense variant.
Genome position (GRCh38, 1-based): chr17:45,265,174, T>C on the plus strand (A>G on the coding strand, the complement: MAP3K14 is on the minus strand). VCF-style: chr17-45265174-T-C. GRCh37 (hg19) VCF-style: chr17-43342541-T-C.
Other names: c.2668A>G, p.Ile890Val (LRG_1222t1); short protein forms I890V.
Identifiers: ClinVar variation 659333 (VCV000659333.9), dbSNP rs374384797, ClinGen allele CA8613813.

ClinVar aggregate classification (germline): Uncertain significance. Review status: criteria provided, multiple submitters, no conflicts (2 of 4 stars). 2 submissions from 2 submitters: Uncertain significance (2). Last evaluated 2025-12-15.

Conditions:
NIK deficiency. Also called: Primary immunodeficiency with multifaceted aberrant lymphoid immunity. Identifiers: Orphanet 447731, MedGen C5680065, MONDO:0018642.

Allele frequency attached by ClinVar (database versions not stated): ExAC 0.00005; TOPMed 0.00005; gnomAD 0.00008 and 0.00007; gnomAD exomes 0.00006; ESP Exome Variant Server 0.00008.
gnomAD v4.1: 103 of 1,613,640 alleles (0.0064%); highest among the groups gnomAD compares: Non-Finnish European, 0.0072%; no homozygotes.

Submissions (2):

Labcorp Genetics (formerly Invitae), Labcorp
Classification: Uncertain significance for NIK deficiency. Last evaluated: 2025-12-15. Review status: criteria provided, single submitter. Criteria: Invitae Variant Classification Sherloc (09022015). Collection method: clinical testing. Allele origin: germline.
Comment: This sequence change replaces isoleucine, which is neutral and non-polar, with valine, which is neutral and non-polar, at codon 890 of the MAP3K14 protein (p.Ile890Val). This variant is present in population databases (rs374384797, gnomAD 0.02%). This variant has not been reported in the literature in individuals affected with MAP3K14-related conditions. ClinVar contains an entry for this variant (Variation ID: 659333). Experimental studies and prediction algorithms are not available or were not evaluated, and the functional significance of this variant is currently unknown. In summary, the available evidence is currently insufficient to determine the role of this variant in disease. Therefore, it has been classified as a Variant of Uncertain Significance.

Blueprint Genetics
Classification: Uncertain significance. Last evaluated: 2023-06-12. Review status: criteria provided, single submitter. Criteria: ACMG Guidelines, 2015. Collection method: clinical testing. Allele origin: germline.